The following is an entry in ClinVar:

NM_020719.3(PRR12):c.4488_4499del (p.Pro1497_Pro1500del)

Gene: PRR12 (proline rich 12; plus strand). Cytogenetic location: 19q13.33.
Variant type: Deletion.
Coding change: c.4488_4499del on transcript NM_020719.3 (MANE Select); coding-DNA positions 4488 to 4499, 12 bases deleted (ACCGCCACCGCC).
Protein change: p.Pro1497_Pro1500del.
Genome position (GRCh38, 1-based): chr19:49,601,633-49,601,644, ACCGCCACCGCC deleted; deleting any 12 consecutive bases within chr19:49,601,631-49,601,644 gives the same sequence; the c. name uses the placement nearest the transcript's 3' end. VCF-style (leftmost placement, unchanged base first): chr19-49601630-ACCACCGCCACCG-A. GRCh37 (hg19) VCF-style: chr19-50104887-ACCACCGCCACCG-A.
Identifiers: ClinVar variation 3771010 (VCV003771010.13).

ClinVar aggregate classification (germline): Likely benign (1 of 4 stars; one submission).

Submission:

CeGaT Center for Human Genetics Tuebingen
Classification: Likely benign. Last evaluated: 2025-01-01. Review status: criteria provided, single submitter. Criteria: CeGaT Center For Human Genetics Tuebingen Variant Classification Criteria Version 2. Collection method: clinical testing. Allele origin: germline. Affected: yes. Observed: 1 variant allele.
Comment: PRR12: BS1